The following is an entry in ClinVar:

NM_006415.4(SPTLC1):c.555T>G (p.Val185=)

Gene: SPTLC1 (serine palmitoyltransferase long chain base subunit 1; minus strand). Cytogenetic location: 9q22.31.
Variant type: single nucleotide variant.
Coding change: c.555T>G on transcript NM_006415.4 (MANE Select); coding-DNA position 555, T replaced by G.
Protein change: p.Val185=; no amino-acid change (valine 185 retained).
Molecular consequence: synonymous variant.
Genome position (GRCh38, 1-based): chr9:92,067,971, A>C on the plus strand (T>G on the coding strand, the complement: SPTLC1 is on the minus strand). VCF-style: chr9-92067971-A-C. GRCh37 (hg19) VCF-style: chr9-94830253-A-C.
Other names: c.555T>G, p.Val185= (NM_001281303.2); c.189T>G, p.Val63= (NM_001368272.1); c.90T>G, p.Val30= (NM_001368273.1).
Identifiers: ClinVar variation 668658 (VCV000668658.10), dbSNP rs768355407, ClinGen allele CA5121518.

ClinVar aggregate classification (germline): Likely benign. Review status: criteria provided, multiple submitters, no conflicts (2 of 4 stars). 2 submissions from 2 submitters: Likely benign (2). Last evaluated 2024-07-15.

Conditions:
Hereditary sensory and autonomic neuropathy type 1 (HSAN1). Also called: HSAN 1; HSN Type I; Hereditary Sensory Neuropathy Type I. Identifiers: Orphanet 36386, MedGen C0020071, MONDO:0018213.

Allele frequency attached by ClinVar (database versions not stated): ExAC 0.00001; gnomAD 0.00001; gnomAD exomes 0.00001 and 0.00002; TOPMed 0.00001.
gnomAD v4.1: 23 of 1,613,964 alleles (0.0014%); highest among the groups gnomAD compares: Non-Finnish European, 0.0019%; no homozygotes.

Submissions (2):

Labcorp Genetics (formerly Invitae), Labcorp
Classification: Likely benign for Hereditary sensory and autonomic neuropathy type 1. Last evaluated: 2024-07-15. Review status: criteria provided, single submitter. Criteria: Invitae Variant Classification Sherloc (09022015). Collection method: clinical testing. Allele origin: germline.

GeneDx
Classification: Likely benign. Last evaluated: 2018-06-15. Review status: criteria provided, single submitter. Criteria: GeneDx Variant Classification (06012015). Collection method: clinical testing. Allele origin: germline. Affected: yes.
Comment: This variant is considered likely benign or benign based on one or more of the following criteria: it is a conservative change, it occurs at a poorly conserved position in the protein, it is predicted to be benign by multiple in silico algorithms, and/or has population frequency not consistent with disease.